The following is an entry in ClinVar:

NM_001377458.1(CLCC1):c.1226A>C (p.Gln409Pro)

Gene: CLCC1 (chloride channel CLIC like 1; minus strand). Cytogenetic location: 1p13.3.
Variant type: single nucleotide variant.
Coding change: c.1226A>C on transcript NM_001377458.1 (MANE Select); coding-DNA position 1226, A replaced by C.
Protein change: p.Gln409Pro; replaces glutamine 409 with proline.
Molecular consequence: missense variant. On other transcripts: non-coding transcript variant (1).
Genome position (GRCh38, 1-based): chr1:108,937,234, T>G on the plus strand (A>C on the coding strand, the complement: CLCC1 is on the minus strand). VCF-style: chr1-108937234-T-G. GRCh37 (hg19) VCF-style: chr1-109479856-T-G.
Other names: c.1226A>C, p.Gln409Pro (NM_001048210.3, NM_001377459.1, NM_001377460.1 and 8 more transcripts); c.863A>C, p.Gln288Pro (NM_001278202.2); c.671A>C, p.Gln224Pro (NM_001278203.1); c.1124A>C, p.Gln375Pro (NM_001377469.1); c.935A>C, p.Gln312Pro (NM_001377470.1); c.1076A>C, p.Gln359Pro (NM_015127.5); short protein forms Q409P, Q224P, Q288P, Q312P, Q359P, Q375P.
Identifiers: ClinVar variation 955755 (VCV000955755.9), dbSNP rs1385628042, ClinGen allele CA341457617.

ClinVar aggregate classification (germline): Uncertain significance (1 of 4 stars; one submission).

Allele frequency attached by ClinVar (database versions not stated): gnomAD exomes below 0.00001.
gnomAD v4.1: 3 of 1,613,964 alleles (0.00019%); highest among the groups gnomAD compares: Non-Finnish European, 0.00025%; no homozygotes.

Submission:

Labcorp Genetics (formerly Invitae), Labcorp
Classification: Uncertain significance. Last evaluated: 2020-02-04. Review status: criteria provided, single submitter. Criteria: Invitae Variant Classification Sherloc (09022015). Collection method: clinical testing. Allele origin: germline.
Comment: This variant has not been reported in the literature in individuals with CLCC1-related conditions. In summary, the available evidence is currently insufficient to determine the role of this variant in disease. Therefore, it has been classified as a Variant of Uncertain Significance. Algorithms developed to predict the effect of missense changes on protein structure and function output the following: SIFT: "Tolerated"; PolyPhen-2: "Benign"; Align-GVGD: "Class C0". The proline amino acid residue is found in multiple mammalian species, suggesting that this missense change does not adversely affect protein function. These predictions have not been confirmed by published functional studies and their clinical significance is uncertain. This variant is not present in population databases (ExAC no frequency). This sequence change replaces glutamine with proline at codon 409 of the CLCC1 protein (p.Gln409Pro). The glutamine residue is moderately conserved and there is a moderate physicochemical difference between glutamine and proline.